The following is an entry in ClinVar:

NM_001364905.1(LRBA):c.5180T>C (p.Ile1727Thr)

Gene: LRBA (LPS responsive beige-like anchor protein; minus strand). Cytogenetic location: 4q31.3.
Variant type: single nucleotide variant.
Coding change: c.5180T>C on transcript NM_001364905.1 (MANE Select); coding-DNA position 5180, T replaced by C.
Protein change: p.Ile1727Thr; replaces isoleucine 1727 with threonine.
Molecular consequence: missense variant.
Genome position (GRCh38, 1-based): chr4:150,817,249, A>G on the plus strand (T>C on the coding strand, the complement: LRBA is on the minus strand). VCF-style: chr4-150817249-A-G. GRCh37 (hg19) VCF-style: chr4-151738401-A-G.
Other names: c.5180T>C, p.Ile1727Thr (NM_001199282.3, NM_001367550.1, NM_006726.5); short protein forms I1727T.
Identifiers: ClinVar variation 666118 (VCV000666118.5), dbSNP rs371855769, ClinGen allele CA3102551.

ClinVar aggregate classification (germline): Uncertain significance. Review status: criteria provided, multiple submitters, no conflicts (2 of 4 stars). 2 submissions from 2 submitters: Uncertain significance (2). Last evaluated 2025-08-19.

Conditions:
Inborn genetic diseases. Identifiers: MedGen C0950123, MeSH D030342.
Combined immunodeficiency due to LRBA deficiency. Also called: Common variable immunodeficiency 8, with autoimmunity. Identifiers: Orphanet 445018, MedGen C3553512, MONDO:0013863, OMIM 614700.

Allele frequency attached by ClinVar (database versions not stated): gnomAD 0.00001; gnomAD exomes 0.00001 and 0.00003; TOPMed 0.00002; ExAC 0.00006; ESP Exome Variant Server 0.00008.
gnomAD v4.1: 18 of 1,611,724 alleles (0.0011%); highest among the groups gnomAD compares: Middle Eastern, 0.016%; no homozygotes.

Submissions (2):

Ambry Genetics
Classification: Uncertain significance for Inborn genetic diseases. Last evaluated: 2025-08-19. Review status: criteria provided, single submitter. Criteria: Ambry Variant Classification Scheme 2023. Collection method: clinical testing. Allele origin: germline.

Labcorp Genetics (formerly Invitae), Labcorp
Classification: Uncertain significance for Combined immunodeficiency due to LRBA deficiency. Last evaluated: 2022-07-26. Review status: criteria provided, single submitter. Criteria: Invitae Variant Classification Sherloc (09022015). Collection method: clinical testing. Allele origin: germline.
Comment: This sequence change replaces isoleucine, which is neutral and non-polar, with threonine, which is neutral and polar, at codon 1727 of the LRBA protein (p.Ile1727Thr). This variant is present in population databases (rs371855769, gnomAD 0.005%). This variant has not been reported in the literature in individuals affected with LRBA-related conditions. ClinVar contains an entry for this variant (Variation ID: 666118). Algorithms developed to predict the effect of missense changes on protein structure and function are either unavailable or do not agree on the potential impact of this missense change (SIFT: "Deleterious"; PolyPhen-2: "Benign"; Align-GVGD: "Class C0"). In summary, the available evidence is currently insufficient to determine the role of this variant in disease. Therefore, it has been classified as a Variant of Uncertain Significance.